The following is an entry in ClinVar:

NM_000492.4(CFTR):c.1584+2T>C

Genes: CFTR (CF transmembrane conductance regulator; plus strand), CFTR-AS1 (CFTR antisense RNA 1; minus strand). Cytogenetic location: 7q31.2.
Variant type: single nucleotide variant.
Coding change: c.1584+2T>C on transcript NM_000492.4 (MANE Select); the canonical splice donor site of the intron after coding-DNA position 1584, T replaced by C.
Molecular consequence: splice donor variant.
Genome position (GRCh38, 1-based): chr7:117,559,657, T>C. VCF-style: chr7-117559657-T-C. GRCh37 (hg19) VCF-style: chr7-117199711-T-C.
Other names: 1716+2T->C.
Identifiers: ClinVar variation 53287 (VCV000053287.3), dbSNP rs397508231, ClinGen allele CA326539.

ClinVar aggregate classification (germline): Pathogenic/Likely pathogenic. Review status: criteria provided, multiple submitters, no conflicts (2 of 4 stars). 3 submissions from 3 submitters: Pathogenic (2); Likely pathogenic (1). Last evaluated 2023-11-18.

Conditions:
Bronchiectasis with or without elevated sweat chloride 1 (BESC1). Also called: Cystic Fibrosis-Like Syndrome. Identifiers: Orphanet 60033, MedGen C2749757, MONDO:0008887, OMIM 211400.
Cystic fibrosis (CF). Also called: MUCOVISCIDOSIS. Identifiers: Orphanet 586, MedGen C0010674, MONDO:0009061, OMIM 219700. Disease mechanism: loss of function.

Submissions (3):

Baylor Genetics
Classification: Pathogenic for Bronchiectasis with or without elevated sweat chloride 1. Last evaluated: 2023-11-18. Review status: criteria provided, single submitter. Criteria: ACMG Guidelines, 2015. Collection method: clinical testing. Allele origin: unknown.

Institute of Human Genetics, University of Leipzig Medical Center
Classification: Likely pathogenic for Cystic fibrosis. Last evaluated: 2022-09-05. Review status: criteria provided, single submitter. Criteria: ACMG Guidelines, 2015. Collection method: curation. Allele origin: unknown. Affected: yes. Observed: 1 variant allele.
Comment: The variant was classified in the context of a project re-classifying variants in the German Cystic Fibrosis Registry (Muko.e.V.). Criteria applied: PVS1_STR, PM2_SUP, PM3

CFTR-France
Classification: Pathogenic for cystic fibrosis. Last evaluated: 2018-01-29. Review status: criteria provided, single submitter. Criteria: Claustres M et al. (Hum Mutat 2017). Collection method: curation. Allele origin: germline. Affected: yes.